The following is an entry in ClinVar:

ClinVar aggregate classification (germline): Benign/Likely benign. Review status: criteria provided, multiple submitters, no conflicts (2 of 4 stars). 5 submissions from 5 submitters: Benign (4); Likely benign (1). Last evaluated 2026-01-26.

Conditions:
Long QT syndrome 11 (LQT11). Identifiers: Orphanet 101016, Orphanet 768, MedGen C2678483, MONDO:0012738, OMIM 611820.
Long QT syndrome (LQTS). Identifiers: MedGen C0023976, MeSH D008133, MONDO:0002442. Disease mechanism: loss of function. Inheritance: Various modes of inheritance.

Allele frequency attached by ClinVar (database versions not stated): gnomAD exomes 0.00015 and 0.00051; ExAC 0.00063; gnomAD 0.00194 and 0.00210; ESP Exome Variant Server 0.00209; TOPMed 0.00215; 1000 Genomes Project 30x 0.00219; 1000 Genomes Project 0.00220.

Submissions (5):

Labcorp Genetics (formerly Invitae), Labcorp
Classification: Benign for Long QT syndrome. Last evaluated: 2026-01-26. Review status: criteria provided, single submitter. Criteria: Invitae Variant Classification Sherloc (09022015). Collection method: clinical testing. Allele origin: germline.

Blueprint Genetics
Classification: Likely benign. Last evaluated: 2024-06-20. Review status: criteria provided, single submitter. Criteria: ACMG Guidelines, 2015. Collection method: clinical testing. Allele origin: germline.

Genome-Nilou Lab
Classification: Benign for Long QT syndrome 11. Last evaluated: 2021-12-05. Review status: criteria provided, single submitter. Criteria: ACMG Guidelines, 2015. Collection method: clinical testing. Allele origin: germline. Affected: no.

Women's Health and Genetics/Laboratory Corporation of America, LabCorp
Classification: Benign. Last evaluated: 2020-11-30. Review status: criteria provided, single submitter. Criteria: LabCorp Variant Classification Summary - May 2015. Collection method: clinical testing. Allele origin: germline.
Comment: Variant summary: AKAP9 c.6331-8T>C alters a non-conserved nucleotide located close to a canonical splice site and therefore could affect mRNA splicing, leading to a significantly altered protein sequence. 4/4 computational tools predict no significant impact on normal splicing. However, these predictions have yet to be confirmed by functional studies. The variant allele was found at a frequency of 0.00051 in 245330 control chromosomes, predominantly at a frequency of 0.0074 within the African or African-American subpopulation in the gnomAD database, including 1 homozygote. The observed variant frequency within African or African-American control individuals in the gnomAD database is approximately 2220-fold the estimated maximal expected allele frequency for a pathogenic variant in AKAP9 causing Long QT Syndrome phenotype (3.3e-06), strongly suggesting that the variant is a benign polymorphism found primarily in populations of African or African-American origin. To our knowledge, no occurrence of c.6331-8T>C in individuals affected with Long QT Syndrome and no experimental evidence demonstrating its impact on protein function have been reported. One clinical diagnostic laboratory has submitted clinical-significance assessments for this variant to ClinVar after 2014 without evidence for independent evaluation and cited the variant as benign. Based on the evidence outlined above, the variant was classified as benign.

GeneDx
Classification: Benign. Last evaluated: 2015-03-03. Review status: criteria provided, single submitter. Criteria: GeneDx Variant Classification Process June 2021. Collection method: clinical testing. Allele origin: germline. Affected: yes.

NM_005751.5(AKAP9):c.6331-8T>C

Gene: AKAP9 (A-kinase anchoring protein 9; plus strand). Cytogenetic location: 7q21.2.
Variant type: single nucleotide variant.
Coding change: c.6331-8T>C on transcript NM_005751.5 (MANE Select); 8 bases into the intron before coding-DNA position 6331, T replaced by C.
Molecular consequence: intron variant.
Genome position (GRCh38, 1-based): chr7:92,070,022, T>C. VCF-style: chr7-92070022-T-C. GRCh37 (hg19) VCF-style: chr7-91699336-T-C.
Other names: c.6331-8T>C (NM_147185.3); c.976-8T>C (NM_001379277.1).
Identifiers: ClinVar variation 417025 (VCV000417025.16), dbSNP rs186211000, ClinGen allele CA4337067.